The following is an entry in ClinVar:

NM_206933.4(USH2A):c.4885+4A>T

Gene: USH2A (usherin; minus strand). Cytogenetic location: 1q41.
Variant type: single nucleotide variant.
Coding change: c.4885+4A>T on transcript NM_206933.4 (MANE Select); 4 bases into the intron after coding-DNA position 4885, A replaced by T.
Molecular consequence: intron variant.
Genome position (GRCh38, 1-based): chr1:216,089,009, T>A on the plus strand (A>T on the coding strand, the complement: USH2A is on the minus strand). VCF-style: chr1-216089009-T-A. GRCh37 (hg19) VCF-style: chr1-216262351-T-A.
Identifiers: ClinVar variation 2755640 (VCV002755640.3), dbSNP rs2527818961, ClinGen allele CA2697554922.

ClinVar aggregate classification (germline): Uncertain significance (1 of 4 stars; one submission).

Submission:

Labcorp Genetics (formerly Invitae), Labcorp
Classification: Uncertain significance. Last evaluated: 2023-10-02. Review status: criteria provided, single submitter. Criteria: Invitae Variant Classification Sherloc (09022015). Collection method: clinical testing. Allele origin: germline.
Comment: This variant is not present in population databases (gnomAD no frequency). This sequence change falls in intron 23 of the USH2A gene. It does not directly change the encoded amino acid sequence of the USH2A protein. It affects a nucleotide within the consensus splice site. This variant has not been reported in the literature in individuals affected with USH2A-related conditions. Variants that disrupt the consensus splice site are a relatively common cause of aberrant splicing (PMID: 17576681, 9536098). Algorithms developed to predict the effect of sequence changes on RNA splicing suggest that this variant is not likely to affect RNA splicing. In summary, the available evidence is currently insufficient to determine the role of this variant in disease. Therefore, it has been classified as a Variant of Uncertain Significance.

Literature cited by the submitters: PubMed 17576681; PubMed 9536098.